The following is an entry in ClinVar:

ClinVar aggregate classification (germline): Uncertain significance (1 of 4 stars; one submission).

Conditions:
Hereditary cancer-predisposing syndrome. Also called: Neoplastic Syndromes, Hereditary; Tumor predisposition; Hereditary Cancer Syndrome; Hereditary neoplastic syndrome. Identifiers: Orphanet 140162, MedGen C0027672, MeSH D009386, MONDO:0015356.

Submission:

Ambry Genetics
Classification: Uncertain significance for Hereditary cancer-predisposing syndrome. Last evaluated: 2024-10-03. Review status: criteria provided, single submitter. Criteria: Ambry Variant Classification Scheme 2023. Collection method: clinical testing. Allele origin: germline.
Comment: The c.240+3T>C intronic variant results from a T to C substitution 3 nucleotides after coding exon 2 in the NF2 gene. This nucleotide position is not well conserved in available vertebrate species. In silico splice site analysis predicts that this alteration may result in the creation or strengthening of a novel splice donor site. Based on the available evidence, the clinical significance of this variant remains unclear.

NM_000268.4(NF2):c.240+3T>C

Gene: NF2 (NF2, moesin-ezrin-radixin like (MERLIN) tumor suppressor; plus strand). Cytogenetic location: 22q12.2.
Variant type: single nucleotide variant.
Coding change: c.240+3T>C on transcript NM_000268.4 (MANE Select); 3 bases into the intron after coding-DNA position 240, T replaced by C.
Molecular consequence: intron variant. On other transcripts: 5 prime UTR variant (1).
Genome position (GRCh38, 1-based): chr22:29,636,879, T>C. VCF-style: chr22-29636879-T-C. GRCh37 (hg19) VCF-style: chr22-30032868-T-C.
Other names: c.-14T>C (NM_001407067.1); c.240+3T>C (NM_016418.5, NM_181832.3, NM_001407060.1 and 9 more transcripts); c.126+3T>C (NM_001407056.1, NM_001407053.1); c.-401+3T>C (NM_001407065.1); c.115-2211T>C (NM_181828.3, NM_001407055.1); c.115-5323T>C (NM_001407063.1, NM_181830.3, NM_001407064.1 and 1 more transcripts).
Identifiers: ClinVar variation 3404999 (VCV003404999.1).